The following is an entry in ClinVar:

NM_004447.6(EPS8):c.1247C>A (p.Ala416Asp)

Gene: EPS8 (EGFR pathway substrate 8, signaling adaptor; minus strand). Cytogenetic location: 12p12.3.
Variant type: single nucleotide variant.
Coding change: c.1247C>A on transcript NM_004447.6 (MANE Select); coding-DNA position 1247, C replaced by A.
Protein change: p.Ala416Asp; replaces alanine 416 with aspartic acid.
Molecular consequence: missense variant. On other transcripts: non-coding transcript variant (3).
Genome position (GRCh38, 1-based): chr12:15,654,148, G>T on the plus strand (C>A on the coding strand, the complement: EPS8 is on the minus strand). VCF-style: chr12-15654148-G-T. GRCh37 (hg19) VCF-style: chr12-15807082-G-T.
Other names: c.1247C>A, p.Ala416Asp (NM_001413831.1, NM_001413832.1, NM_001413833.1 and 2 more transcripts); c.1007C>A, p.Ala336Asp (NM_001413835.1, NM_001413836.1); c.830C>A, p.Ala277Asp (NM_001413837.1); c.467C>A, p.Ala156Asp (NM_001413838.1); short protein forms A156D, A277D, A336D, A416D.
Identifiers: ClinVar variation 3509627 (VCV003509627.5).

ClinVar aggregate classification (germline): Uncertain significance. Review status: criteria provided, multiple submitters, no conflicts (2 of 4 stars). 2 submissions from 2 submitters: Uncertain significance (2). Last evaluated 2026-01-01.

Conditions:
Inborn genetic diseases. Identifiers: MedGen C0950123, MeSH D030342.

gnomAD v4.1: 36 of 1,613,274 alleles (0.0022%); highest among the groups gnomAD compares: Non-Finnish European, 0.0028%; no homozygotes.

Submissions (2):

CeGaT Center for Human Genetics Tuebingen
Classification: Uncertain significance. Last evaluated: 2026-01-01. Review status: criteria provided, single submitter. Criteria: CeGaT Center For Human Genetics Tuebingen Variant Classification Criteria Version 2. Collection method: clinical testing. Allele origin: germline. Affected: yes. Observed: 1 variant allele.
Comment: EPS8: PM2, BP4

Ambry Genetics
Classification: Uncertain significance for Inborn genetic diseases. Last evaluated: 2024-10-21. Review status: criteria provided, single submitter. Criteria: Ambry Variant Classification Scheme 2023. Collection method: clinical testing. Allele origin: germline.